The following is an entry in ClinVar:

ClinVar aggregate classification (germline): Pathogenic. Review status: criteria provided, multiple submitters, no conflicts (2 of 4 stars). 3 submissions from 3 submitters: Pathogenic (2). 1 of the submissions does not count toward it. Last evaluated 2024-05-31.

Conditions:
Microcephaly 9, primary, autosomal recessive. Identifiers: Orphanet 2512, MedGen C3553886, MONDO:0013923, OMIM 614852.
Seckel syndrome 5 (SCKL5). Identifiers: Orphanet 808, MedGen C3151187, MONDO:0013443, OMIM 613823.

Submissions (3):

Fulgent Genetics
Classification: Pathogenic for Seckel syndrome 5; Microcephaly 9, primary, autosomal recessive. Last evaluated: 2024-05-31. Review status: criteria provided, single submitter. Criteria: ACMG Guidelines, 2015. Collection method: clinical testing. Allele origin: germline.

Labcorp Genetics (formerly Invitae), Labcorp
Classification: Pathogenic. Last evaluated: 2023-11-17. Review status: criteria provided, single submitter. Criteria: Invitae Variant Classification Sherloc (09022015). Collection method: clinical testing. Allele origin: germline.
Comment: This sequence change creates a premature translational stop signal (p.Tyr678*) in the CEP152 gene. It is expected to result in an absent or disrupted protein product. Loss-of-function variants in CEP152 are known to be pathogenic (PMID: 21131973). This variant is present in population databases (rs754565020, gnomAD 0.0009%). This premature translational stop signal has been observed in individual(s) with CEP152-related conditions (PMID: 21131973). ClinVar contains an entry for this variant (Variation ID: 1676669). For these reasons, this variant has been classified as Pathogenic.

Tianjin Key Laboratory of Birth Defects for Prevention and Treatment, Tianjin Children’s Hospital
Classification: Pathogenic for Microcephaly 9, primary, autosomal recessive; Seckel syndrome 5. Review status: no assertion criteria provided. Collection method: clinical testing. Allele origin: inherited. Inheritance: Autosomal recessive inheritance. Affected: yes. Observed: 1 compound heterozygote. Not counted in ClinVar's aggregate classification.

Literature cited by the submitters: PubMed 21131973 (cited by Labcorp Genetics (formerly Invitae), Labcorp).

NM_001194998.2(CEP152):c.2034_2036del (p.Tyr678_Gln679delinsTer)

Gene: CEP152 (centrosomal protein 152; minus strand). Cytogenetic location: 15q21.1.
Variant type: Deletion.
Coding change: c.2034_2036del on transcript NM_001194998.2 (MANE Select); coding-DNA positions 2034 to 2036, 3 bases deleted (TCA; older notation c.2034_2036delTCA).
Protein change: p.Tyr678_Gln679delinsTer.
Molecular consequence: nonsense.
Genome position (GRCh38, 1-based): chr15:48,767,446-48,767,448, TGA deleted on the plus strand (TCA on the coding strand, the reverse complement: CEP152 is on the minus strand); deleting any 3 consecutive bases within chr15:48,767,446-48,767,449 gives the same sequence; the c. name uses the placement nearest the transcript's 3' end. VCF-style (leftmost placement, unchanged base first): chr15-48767445-CTGA-C. GRCh37 (hg19) VCF-style: chr15-49059642-CTGA-C.
Other names: c.2034_2036del, p.Tyr678_Gln679delinsTer (NM_014985.4).
Identifiers: ClinVar variation 1676669 (VCV001676669.6), dbSNP rs754565020, ClinGen allele CA269551282.